The following is an entry in ClinVar:

NM_000553.6(WRN):c.532A>G (p.Asn178Asp)

Gene: WRN (WRN RecQ like helicase; plus strand). Cytogenetic location: 8p12.
Variant type: single nucleotide variant.
Coding change: c.532A>G on transcript NM_000553.6 (MANE Select); coding-DNA position 532, A replaced by G.
Protein change: p.Asn178Asp; replaces asparagine 178 with aspartic acid.
Molecular consequence: missense variant.
Genome position (GRCh38, 1-based): chr8:31,067,060, A>G. VCF-style: chr8-31067060-A-G. GRCh37 (hg19) VCF-style: chr8-30924576-A-G.
Other names: short protein forms N178D.
Identifiers: ClinVar variation 1003124 (VCV001003124.3), dbSNP rs1812735120, ClinGen allele CA370915941.

ClinVar aggregate classification (germline): Uncertain significance (1 of 4 stars; one submission).

Conditions:
Werner syndrome (WRN). Identifiers: Orphanet 902, MedGen C0043119, MONDO:0010196, OMIM 277700.

Submission:

Labcorp Genetics (formerly Invitae), Labcorp
Classification: Uncertain significance for Werner syndrome. Last evaluated: 2020-08-14. Review status: criteria provided, single submitter. Criteria: Invitae Variant Classification Sherloc (09022015). Collection method: clinical testing. Allele origin: germline.
Comment: Algorithms developed to predict the effect of missense changes on protein structure and function output the following: SIFT: "Not Available"; PolyPhen-2: "Benign"; Align-GVGD: "Not Available". The aspartic acid amino acid residue is found in multiple mammalian species, suggesting that this missense change does not adversely affect protein function. These predictions have not been confirmed by published functional studies and their clinical significance is uncertain. In summary, the available evidence is currently insufficient to determine the role of this variant in disease. Therefore, it has been classified as a Variant of Uncertain Significance. This sequence change replaces asparagine with aspartic acid at codon 178 of the WRN protein (p.Asn178Asp). The asparagine residue is moderately conserved and there is a small physicochemical difference between asparagine and aspartic acid. This variant is not present in population databases (ExAC no frequency). This variant has not been reported in the literature in individuals with WRN-related conditions.